The following is an entry in ClinVar:

ClinVar aggregate classification (germline): Conflicting classifications of pathogenicity. Review status: criteria provided, conflicting classifications (1 of 4 stars). 9 submissions from 9 submitters: Pathogenic (7); Likely pathogenic (1); Uncertain significance (1). Last evaluated 2026-03-19.

Conditions:
Cystinuria (CSNU). Also called: CYSTINURIA, TYPE I; CYSTINURIA, TYPE II; CYSTINURIA, TYPE III; Cystinuria, non-type I. Identifiers: Orphanet 214, MedGen C0010691, MONDO:0009067, OMIM 220100, HP:0003131.
SLC3A1-related disorder. Also called: SLC3A1-related condition.

Allele frequency attached by ClinVar (database versions not stated): gnomAD 0.00006 and 0.00007; TOPMed 0.00008; 1000 Genomes Project 30x 0.00016; 1000 Genomes Project 0.00020.
gnomAD v4.1: 140 of 1,613,856 alleles (0.0087%); highest among the groups gnomAD compares: Middle Eastern, 0.017%; no homozygotes.

Submissions (9):

GeneDx
Classification: Uncertain significance. Last evaluated: 2026-03-19. Review status: criteria provided, single submitter. Criteria: GeneDx Variant Classification Process June 2021. Collection method: clinical testing. Allele origin: germline.
Comment: Reported with a second variant (phase unknown) in unrelated patients with cystinuria in published literature (PMID: 40794449, 11260385, 28646536, 40428323); In silico analysis supports that this missense variant has a deleterious effect on protein structure/function; This variant is associated with the following publications: (PMID: 34426522, 31589614, 28812535, 30146843, 37716586, 9768685, 28646536, 40794449, 18947684, 15691362, 16138908, 15635077, 11260385, 25296721, 40428323, 9186880)

Dasa
Classification: Pathogenic. Last evaluated: 2025-11-11. Review status: criteria provided, single submitter. Criteria: DASA Assertion Criteria. Collection method: clinical testing. Allele origin: germline.
Comment: NM_000341.4(SLC3A1):c.1354C>T (p.Arg452Trp) is a missense variant that results in the substitution of arginine with tryptophan. This variant has been observed in affected individuals with related phenotype in a genotype context consistent with recessive disease (PMID: 25417848; PMID: 15635077; PMID: 25296721; PMID: 16138908; PMID: 11260385). This variant has been recurrently observed in individuals with related phenotype (PMID: 25417848; PMID: 15635077; PMID: 25296721; PMID: 16138908; PMID: 11260385). Multiple computational predictions support a deleterious effect on the gene or gene product. The variant is present at low frequency in population datasets. Based on the available data, this variant is classified as pathogenic.

Rare Kidney Stone Consortium and the Mayo Clinic Hyperoxaluria Center, Mayo Clinic
Classification: Pathogenic for Cystinuria. Last evaluated: 2025-10-03. Review status: criteria provided, single submitter. Criteria: ACMG Guidelines, 2015. Collection method: research. Allele origin: germline. Affected: yes. Observed: 1 variant allele.
Comment: ACMG:PM1, PM2, PP2, PP3, PP5

Labcorp Genetics (formerly Invitae), Labcorp
Classification: Pathogenic for Cystinuria. Last evaluated: 2025-04-08. Review status: criteria provided, single submitter. Criteria: Invitae Variant Classification Sherloc (09022015). Collection method: clinical testing. Allele origin: germline.
Comment: This sequence change replaces arginine, which is basic and polar, with tryptophan, which is neutral and slightly polar, at codon 452 of the SLC3A1 protein (p.Arg452Trp). This variant is present in population databases (rs201502095, gnomAD 0.02%). This missense change has been observed in individual(s) with cystinuria (PMID: 9186880, 25296721, 30146843; internal data). ClinVar contains an entry for this variant (Variation ID: 336205). Invitae Evidence Modeling of protein sequence and biophysical properties (such as structural, functional, and spatial information, amino acid conservation, physicochemical variation, residue mobility, and thermodynamic stability) has been performed for this missense variant. However, the output from this modeling did not meet the statistical confidence thresholds required to predict the impact of this variant on SLC3A1 protein function. For these reasons, this variant has been classified as Pathogenic.

Blueprint Genetics
Classification: Pathogenic for SLC3A1-related disorders. Last evaluated: 2024-09-02. Review status: criteria provided, single submitter. Criteria: ACMG Guidelines, 2015. Collection method: clinical testing. Allele origin: germline. Affected: yes. Observed: 5 variant alleles.

Fulgent Genetics
Classification: Pathogenic for Cystinuria. Last evaluated: 2024-04-03. Review status: criteria provided, single submitter. Criteria: ACMG Guidelines, 2015. Collection method: clinical testing. Allele origin: germline.

Institute of Human Genetics, University of Leipzig Medical Center
Classification: Likely pathogenic for Cystinuria. Last evaluated: 2023-05-24. Review status: criteria provided, single submitter. Criteria: ACMG Guidelines, 2015. Collection method: clinical testing. Allele origin: unknown. Inheritance: Autosomal dominant inheritance. Affected: yes.
Comment: Criteria applied: PS4,PM5,PP3

Illumina Laboratory Services, Illumina
Classification: Pathogenic for Cystinuria. Last evaluated: 2017-04-27. Review status: criteria provided, single submitter. Criteria: ICSL Variant Classification Criteria 09 May 2019. Collection method: clinical testing. Allele origin: germline.
Comment: The SLC3A1 c.1354C>T (p.Arg452Trp) variant has been reported in eight studies in which it is found in at least ten individuals with cystinuria, including three homozygotes, four compound heterozygotes, two heterozygotes in whom a second variant was not identified, and one heterozygote who carried a second heterozygous variant in the SLC7A9 gene (Endsley et al. 1997; Bisceglia et al. 2001; Guillen et al. 2004; Font-Llitjos et al. 2005; Skopkova et al. 2005; Brauers et al. 2006; Eggerman et al. 2011; Halbritter et al. 2012). The variant was absent from a total of 178 controls, but is reported at a frequency of 0.00006 in the European (non-Finnish) population of the Exome Aggregation Consortium. Based on the evidence, the p.Arg452Trp variant is classified as pathogenic for cystinuria. This variant was observed by ICSL as part of a predisposition screen in an ostensibly healthy population.

Intergen Genetics and Rare Diseases Diagnosis Center
Classification: Pathogenic for Cystinuria. Review status: criteria provided, single submitter. Criteria: ACMG Guidelines, 2015. Collection method: clinical testing. Allele origin: unknown. Affected: no. Observed: 1 heterozygote.

Literature cited by the submitters: PubMed 25417848 (cited by Dasa); PubMed 15635077 (cited by Dasa and Illumina Laboratory Services, Illumina); PubMed 25296721 (cited by 4 submitters); PubMed 16138908 (cited by Dasa and Illumina Laboratory Services, Illumina); PubMed 11260385 (cited by Dasa and Illumina Laboratory Services, Illumina); PubMed 15691362 (cited by Dasa and Illumina Laboratory Services, Illumina); PubMed 9186880 (cited by 3 submitters); PubMed 28812535 (cited by Rare Kidney Stone Consortium and the Mayo Clinic Hyperoxaluria Center, Mayo Clinic); PubMed 30146843 (cited by Rare Kidney Stone Consortium and the Mayo Clinic Hyperoxaluria Center, Mayo Clinic and Labcorp Genetics (formerly Invitae), Labcorp); PubMed 31589614 (cited by Rare Kidney Stone Consortium and the Mayo Clinic Hyperoxaluria Center, Mayo Clinic); PubMed 34426522 (cited by Rare Kidney Stone Consortium and the Mayo Clinic Hyperoxaluria Center, Mayo Clinic); PubMed 40794449 (cited by Rare Kidney Stone Consortium and the Mayo Clinic Hyperoxaluria Center, Mayo Clinic); PubMed 18947684 (cited by Illumina Laboratory Services, Illumina).

NM_000341.4(SLC3A1):c.1354C>T (p.Arg452Trp)

Gene: SLC3A1 (solute carrier family 3 member 1; plus strand). Cytogenetic location: 2p21.
Variant type: single nucleotide variant.
Coding change: c.1354C>T on transcript NM_000341.4 (MANE Select); coding-DNA position 1354, C replaced by T.
Protein change: p.Arg452Trp; replaces arginine 452 with tryptophan.
Molecular consequence: missense variant.
Genome position (GRCh38, 1-based): chr2:44,312,607, C>T. VCF-style: chr2-44312607-C-T. GRCh37 (hg19) VCF-style: chr2-44539746-C-T.
Other names: short protein forms R452W.
Identifiers: ClinVar variation 336205 (VCV000336205.25), dbSNP rs201502095, ClinGen allele CA1640560.
Genomic context (GRCh38, chr2:44,312,607, plus strand): 5'-GTGTATACAGCTGTGTTCTTAAAAATATCTGCCTTTCAGATTGGTGGACCAGACAGTTCA[C>T]GGCTGACTTCGCGTTTGGGGAATCAGTATGTCAACGTGATGAACATGCTTCTTTTCACAC-3'
Protein context (NP_000332.2, residues 442-462): NWMIGGPDSS[Arg452Trp]LTSRLGNQYV